The following is an entry in ClinVar:

ClinVar aggregate classification (germline): Uncertain significance (1 of 4 stars; one submission).

Conditions:
Hereditary cancer-predisposing syndrome. Also called: Tumor predisposition; Hereditary Cancer Syndrome; Neoplastic Syndromes, Hereditary; Hereditary neoplastic syndrome. Identifiers: Orphanet 140162, MedGen C0027672, MeSH D009386, MONDO:0015356.

Submission:

Ambry Genetics
Classification: Uncertain significance for Hereditary cancer-predisposing syndrome. Last evaluated: 2022-03-01. Review status: criteria provided, single submitter. Criteria: Ambry Variant Classification Scheme 2023. Collection method: clinical testing. Allele origin: germline.
Comment: The p.L881R variant (also known as c.2642T>G), located in coding exon 20 of the POLD1 gene, results from a T to G substitution at nucleotide position 2642. The leucine at codon 881 is replaced by arginine, an amino acid with dissimilar properties. This amino acid position is conserved. In addition, this alteration is predicted to be deleterious by in silico analysis. Since supporting evidence is limited at this time, the clinical significance of this alteration remains unclear.

NM_002691.4(POLD1):c.2642T>G (p.Leu881Arg)

Gene: POLD1 (DNA polymerase delta 1, catalytic subunit; plus strand). Cytogenetic location: 19q13.33.
Variant type: single nucleotide variant.
Coding change: c.2642T>G on transcript NM_002691.4 (MANE Select); coding-DNA position 2642, T replaced by G.
Protein change: p.Leu881Arg; replaces leucine 881 with arginine.
Molecular consequence: missense variant. On other transcripts: non-coding transcript variant (1).
Genome position (GRCh38, 1-based): chr19:50,415,515, T>G. VCF-style: chr19-50415515-T-G. GRCh37 (hg19) VCF-style: chr19-50918772-T-G.
Other names: c.2642T>G, p.Leu881Arg (NM_001256849.1); c.2720T>G, p.Leu907Arg (NM_001308632.1); short protein forms L907R, L881R.
Identifiers: ClinVar variation 1794212 (VCV001794212.2), dbSNP rs2514053974, ClinGen allele CA406985533.